The following is an entry in ClinVar:

NM_000322.5(PRPH2):c.277A>T (p.Arg93Ter)

Gene: PRPH2 (peripherin 2; minus strand). Cytogenetic location: 6p21.1.
Variant type: single nucleotide variant.
Coding change: c.277A>T on transcript NM_000322.5 (MANE Select); coding-DNA position 277, A replaced by T.
Protein change: p.Arg93Ter; replaces arginine 93 with a stop codon.
Molecular consequence: nonsense.
Genome position (GRCh38, 1-based): chr6:42,722,058, T>A on the plus strand (A>T on the coding strand, the complement: PRPH2 is on the minus strand). VCF-style: chr6-42722058-T-A. GRCh37 (hg19) VCF-style: chr6-42689796-T-A.
Other names: short protein forms R93*.
Identifiers: ClinVar variation 4848441 (VCV004848441.1).
Genomic context (GRCh38, chr6:42,722,058, plus strand): 5'-AGAGGATGATGTTGAAGAGAACACAGATAGCCAGGTACGGCTTCAGCCAGGGCTTCCATC[T>A]GGCATACTTGGCTGGGTCCAGGGCGTCGTAGCAGATCTTCCCAGCCAGCGAGTTGAAGAC-3'

ClinVar aggregate classification (germline): Pathogenic (1 of 4 stars; one submission).

Conditions:
PRPH2-related disorder. Also called: PRPH2-related condition; PRPH2-related disorders. Identifiers: MedGen CN239395.

Submission:

Women's Health and Genetics/Laboratory Corporation of America, LabCorp
Classification: Pathogenic for PRPH2-Related Disorders. Last evaluated: 2026-04-17. Review status: criteria provided, single submitter. Criteria: LabCorp Variant Classification Summary - May 2015. Collection method: clinical testing. Allele origin: germline.
Comment: Variant summary: PRPH2 c.277A>T (p.Arg93X) results in a premature termination codon, predicted to cause a truncation of the encoded protein or absence of the protein due to nonsense mediated decay, which are commonly known mechanisms for disease. The variant was absent in 251386 control chromosomes. To our knowledge, no occurrence of c.277A>T in individuals affected with PRPH2-related conditions and no experimental evidence demonstrating its impact on protein function have been reported. No submitters have cited clinical-significance assessments for this variant to ClinVar. Based on the evidence outlined above, the variant was classified as pathogenic.